The following is an entry in ClinVar:

ClinVar aggregate classification (germline): Pathogenic. Review status: criteria provided, multiple submitters, no conflicts (2 of 4 stars). 8 submissions from 7 submitters: Pathogenic (5). 3 of the submissions do not count toward it. Last evaluated 2025-12-09.

Conditions:
ABCA4-related disorder. Also called: ABCA4-related condition; ABCA4-related disorders. Identifiers: MedGen CN239167.
Severe early-childhood-onset retinal dystrophy (STGD1). Also called: MACULAR DYSTROPHY WITH FLECKS, TYPE 1; STGD; Stargardt disease 1; Stargardt macular dystrophy; Juvenile onset macular degeneration. Identifiers: Orphanet 364055, Orphanet 827, MedGen C1855465, MeSH D000080362, MONDO:0009549, OMIM 248200.
Retinal disorder. Also called: Retinopathy; Retinopathies; Retinal Diseases; Retinal disorders. Identifiers: MedGen C0035309, MONDO:0005283, HP:0000488.

Submissions (8):

Genetics Laboratory, Great Ormond Street Hospital NHS Foundation Trust, North Thames Genomic Laboratory Hub
Classification: Pathogenic for Retinal disorders. Last evaluated: 2025-12-09. Review status: criteria provided, single submitter. Criteria: ACGS Best Practice Guidelines for Variant Classification in Rare Disease 2024 v1.2. Collection method: clinical testing. Allele origin: germline. Affected: yes.
Comment: PM2_moderate, PVS1_very-strong

Labcorp Genetics (formerly Invitae), Labcorp
Classification: Pathogenic. Last evaluated: 2024-02-16. Review status: criteria provided, single submitter. Criteria: Invitae Variant Classification Sherloc (09022015). Collection method: clinical testing. Allele origin: germline.
Comment: This sequence change creates a premature translational stop signal (p.Thr1721Hisfs*65) in the ABCA4 gene. It is expected to result in an absent or disrupted protein product. Loss-of-function variants in ABCA4 are known to be pathogenic (PMID: 10958761, 24938718, 25312043, 26780318). This variant is present in population databases (rs61750566, gnomAD 0.002%). This premature translational stop signal has been observed in individual(s) with Stargardt Disease (PMID: 10090887, 25312043, 25444351, 28041643, 29925512). This variant is also known as 5161delAC. ClinVar contains an entry for this variant (Variation ID: 99349). For these reasons, this variant has been classified as Pathogenic.

Blueprint Genetics
Classification: Pathogenic for ABCA4-related disorders. Last evaluated: 2020-02-05. Review status: criteria provided, single submitter. Criteria: ACMG Guidelines, 2015. Collection method: clinical testing. Allele origin: germline. Affected: yes. Observed: 5 variant alleles.

Eurofins Ntd Llc (ga)
Classification: Pathogenic. Last evaluated: 2016-09-12. Review status: criteria provided, single submitter. Criteria: EGL Classification Definitions 2015. Collection method: clinical testing. Allele origin: germline. Observed: 1 variant allele, 1 heterozygote.

GeneDx
Classification: Pathogenic. Last evaluated: 2015-09-04. Review status: criteria provided, single submitter. Criteria: GeneDx Variant Classification (06012015). Collection method: clinical testing. Allele origin: germline. Affected: yes.
Comment: The c.5161_5162delAC deletion in the ABCA4 gene has been reported previously in association with Stargardt disease (Maugeri et al., 1999; Papaioannou et al., 2000; Briggs et al., 2001). The deletion causes a frameshift starting with codon Threonine 1721, changes this amino acid to a Histidine residue and creates a premature Stop codon at position 65 of the new reading frame, denoted p.Thr1721HisfsX65. This variant is predicted to cause loss of normal protein function either through protein truncation or nonsense-mediated mRNA decay. Therefore, we interpret this variant as pathogenic.

NIHR Bioresource Rare Diseases, University of Cambridge
Classification: Pathogenic. Last evaluated: 2015-01-01. Review status: no assertion criteria provided. Collection method: research. Allele origin: unknown. Affected: yes. Observed: 1 variant allele. Not counted in ClinVar's aggregate classification.

Retina International
No classification provided. Review status: no classification provided. Collection method: not provided. Allele origin: not provided. Not counted in ClinVar's aggregate classification.

Retina International
No classification provided. Review status: flagged submission. Collection method: not provided. Allele origin: unknown. Not counted in ClinVar's aggregate classification.
ClinVar note: Reason: This record appears to be redundant with a more recent record from the same submitter.
ClinVar note: Notes: SCV000117841 appears to be redundant with SCV000117842.

Literature cited by the submitters: PubMed 10958761 (cited by Labcorp Genetics (formerly Invitae), Labcorp); PubMed 24938718 (cited by Labcorp Genetics (formerly Invitae), Labcorp); PubMed 25312043 (cited by Labcorp Genetics (formerly Invitae), Labcorp); PubMed 26780318 (cited by Labcorp Genetics (formerly Invitae), Labcorp); PubMed 10090887 (cited by 3 submitters); PubMed 25444351 (cited by Labcorp Genetics (formerly Invitae), Labcorp and Eurofins Ntd Llc (ga)); PubMed 28041643 (cited by Labcorp Genetics (formerly Invitae), Labcorp and NIHR Bioresource Rare Diseases, University of Cambridge); PubMed 29925512 (cited by Labcorp Genetics (formerly Invitae), Labcorp).

NM_000350.3(ABCA4):c.5161_5162del (p.Thr1721fs)

Gene: ABCA4 (ATP binding cassette subfamily A member 4; minus strand). Cytogenetic location: 1p22.1.
Variant type: Deletion.
Coding change: c.5161_5162del on transcript NM_000350.3 (MANE Select); coding-DNA positions 5161 to 5162, 2 bases deleted (AC; older notation c.5161_5162delAC).
Protein change: p.Thr1721fs; shifts the reading frame from threonine 1721.
Molecular consequence: frameshift variant.
Genome position (GRCh38, 1-based): chr1:94,019,616-94,019,617, GT deleted on the plus strand (AC on the coding strand, the reverse complement: ABCA4 is on the minus strand); deleting any 2 consecutive bases within chr1:94,019,616-94,019,618 gives the same sequence; the c. name uses the placement nearest the transcript's 3' end. VCF-style (leftmost placement, unchanged base first): chr1-94019615-GGT-G. GRCh37 (hg19) VCF-style: chr1-94485171-GGT-G.
Other names: c.4938_4939delCA, p.Thr1647Hisfs (NM_001425324.1); c.5160_5161delCA (NM_000350.2); short protein forms T1721fs.
Identifiers: ClinVar variation 99349 (VCV000099349.14), dbSNP rs61750566, ClinGen allele CA227278.